The following is an entry in ClinVar:

NM_000545.8(HNF1A):c.955+2T>A

Gene: HNF1A (HNF1 homeobox A; plus strand). Cytogenetic location: 12q24.31.
Variant type: single nucleotide variant.
Coding change: c.955+2T>A on transcript NM_000545.8 (MANE Select); the canonical splice donor site of the intron after coding-DNA position 955, T replaced by A.
Molecular consequence: splice donor variant.
Genome position (GRCh38, 1-based): chr12:120,994,407, T>A. VCF-style: chr12-120994407-T-A. GRCh37 (hg19) VCF-style: chr12-121432210-T-A.
Other names: c.955+2T>A (NM_001306179.2, NM_001406915.1).
Identifiers: ClinVar variation 3723006 (VCV003723006.2).

ClinVar aggregate classification (germline): Likely pathogenic (1 of 4 stars; one submission).

Submission:

Labcorp Genetics (formerly Invitae), Labcorp
Classification: Likely pathogenic. Last evaluated: 2024-10-16. Review status: criteria provided, single submitter. Criteria: Invitae Variant Classification Sherloc (09022015). Collection method: clinical testing. Allele origin: germline.
Comment: This sequence change affects a donor splice site in intron 4 of the HNF1A gene. It is expected to disrupt RNA splicing. Variants that disrupt the donor or acceptor splice site typically lead to a loss of protein function (PMID: 16199547), and loss-of-function variants in HNF1A are known to be pathogenic (PMID: 15928245, 18003757). This variant is not present in population databases (gnomAD no frequency). Disruption of this splice site has been observed in individual(s) with maturity-onset diabetes of the young (PMID: 18003757, 34789499, 36257325). Algorithms developed to predict the effect of sequence changes on RNA splicing suggest that this variant may disrupt the consensus splice site. In summary, the currently available evidence indicates that the variant is pathogenic, but additional data are needed to prove that conclusively. Therefore, this variant has been classified as Likely Pathogenic.

Literature cited by the submitters: PubMed 16199547; PubMed 15928245; PubMed 18003757; PubMed 34789499; PubMed 36257325.